The following is an entry in ClinVar:

ClinVar aggregate classification (germline): Uncertain significance (0 of 4 stars; one submission).

Submission:

Department of Pathology and Laboratory Medicine, Sinai Health System
Classification: Uncertain significance. Review status: no assertion criteria provided. Collection method: clinical testing. Allele origin: unknown. Affected: yes. Study: The Canadian Open Genetics Repository (COGR).
Comment: The UBR1 p.Gly1705Ser variant was not identified in the literature nor was it identified in dbSNP, ClinVar, Cosmic or LOVD 3.0. The variant was not identified in the following control databases: the 1000 Genomes Project, the NHLBI GO Exome Sequencing Project, the Exome Aggregation Consortium (August 8th 2016), or the Genome Aggregation Database (Feb 27, 2017). The variant occurs outside of the splicing consensus sequence and in silico or computational prediction software programs (SpliceSiteFinder, MaxEntScan, NNSPLICE, GeneSplicer) do not predict a difference in splicing. The p.Gly1705 residue is conserved in mammals and computational analyses (PolyPhen-2, SIFT, AlignGVGD, BLOSUM, MutationTaster) provide inconsistent predictions regarding the impact to the protein; this information is not very predictive of pathogenicity. In summary, based on the above information the clinical significance of this variant cannot be determined with certainty at this time. This variant is classified as a variant of uncertain significance.

NM_174916.3(UBR1):c.5113G>A (p.Gly1705Ser)

Gene: UBR1 (ubiquitin protein ligase E3 component n-recognin 1; minus strand). Cytogenetic location: 15q15.2.
Variant type: single nucleotide variant.
Coding change: c.5113G>A on transcript NM_174916.3 (MANE Select); coding-DNA position 5113, G replaced by A.
Protein change: p.Gly1705Ser; replaces glycine 1705 with serine.
Molecular consequence: missense variant.
Genome position (GRCh38, 1-based): chr15:42,945,466, C>T on the plus strand (G>A on the coding strand, the complement: UBR1 is on the minus strand). VCF-style: chr15-42945466-C-T. GRCh37 (hg19) VCF-style: chr15-43237664-C-T.
Other names: short protein forms G1705S.
Identifiers: ClinVar variation 1050533 (VCV001050533.1), dbSNP rs2141245368, ClinGen allele CA392050050.